The following is an entry in ClinVar:

NM_007268.3(VSIG4):c.1186A>C (p.Lys396Gln)

Gene: VSIG4 (V-set and immunoglobulin domain containing 4; minus strand). Cytogenetic location: Xq12.
Variant type: single nucleotide variant.
Coding change: c.1186A>C on transcript NM_007268.3 (MANE Select); coding-DNA position 1186, A replaced by C.
Protein change: p.Lys396Gln; replaces lysine 396 with glutamine.
Molecular consequence: missense variant. On other transcripts: 3 prime UTR variant (2), intron variant (1).
Genome position (GRCh38, 1-based): chrX:66,022,277, T>G on the plus strand (A>C on the coding strand, the complement: VSIG4 is on the minus strand). VCF-style: chrX-66022277-T-G. GRCh37 (hg19) VCF-style: chrX-65242119-T-G.
Other names: c.904A>C, p.Lys302Gln (NM_001100431.2); c.*560A>C (NM_001184830.2, NM_001184831.2); c.963-111A>C (NM_001257403.2); short protein forms K302Q, K396Q.
Identifiers: ClinVar variation 3347815 (VCV003347815.1).

ClinVar aggregate classification (germline): Uncertain significance (0 of 4 stars; one submission).

Conditions:
VSIG4-related disorder. Also called: VSIG4-related condition.

Submission:

PreventionGenetics, part of Exact Sciences
Classification: Uncertain significance for VSIG4-related condition. Last evaluated: 2024-05-09. Review status: no assertion criteria provided. Collection method: clinical testing. Allele origin: germline.
Comment: The VSIG4 c.1186A>C variant is predicted to result in the amino acid substitution p.Lys396Gln. To our knowledge, this variant has not been reported in the literature or in a large population database, indicating this variant is rare. At this time, the clinical significance of this variant is uncertain due to the absence of conclusive functional and genetic evidence.